The following is an entry in ClinVar:

ClinVar aggregate classification (germline): Pathogenic (1 of 4 stars; one submission).

Conditions:
Hereditary cancer-predisposing syndrome. Also called: Hereditary Cancer Syndrome; Tumor predisposition; Hereditary neoplastic syndrome; Neoplastic Syndromes, Hereditary. Identifiers: Orphanet 140162, MedGen C0027672, MeSH D009386, MONDO:0015356.
Cardiovascular phenotype. Identifiers: MedGen CN230736.

Submission:

Ambry Genetics
Classification: Pathogenic for Cardiovascular phenotype; Hereditary cancer-predisposing syndrome. Last evaluated: 2024-09-06. Review status: criteria provided, single submitter. Criteria: Ambry Variant Classification Scheme 2023. Collection method: clinical testing. Allele origin: germline.
Comment: The c.5926delT pathogenic mutation, located in coding exon 39 of the NF1 gene, results from a deletion of one nucleotide at nucleotide position 5926, causing a translational frameshift with a predicted alternate stop codon (p.W1976Gfs*15). This variant is considered to be rare based on population cohorts in the Genome Aggregation Database (gnomAD). This alteration is expected to result in loss of function by premature protein truncation or nonsense-mediated mRNA decay. As such, this alteration is interpreted as a disease-causing mutation.

NM_001042492.3(NF1):c.5989del (p.Trp1997fs)

Gene: NF1 (neurofibromin 1; plus strand). Cytogenetic location: 17q11.2.
Variant type: Deletion.
Coding change: c.5989del on transcript NM_001042492.3 (MANE Select); coding-DNA position 5989, one base deleted (T; older notation c.5989delT).
Protein change: p.Trp1997fs; shifts the reading frame from tryptophan 1997.
Molecular consequence: frameshift variant.
Genome position (GRCh38, 1-based): chr17:31,335,014, T deleted. VCF-style (leftmost placement, unchanged base first): chr17-31335013-AT-A. GRCh37 (hg19) VCF-style: chr17-29662031-AT-A.
Other names: c.5926delT (NM_000267.3); c.5926delT, p.Trp1976Glyfs (NM_000267.4); short protein forms W1997fs, W1976fs.
Identifiers: ClinVar variation 3404717 (VCV003404717.1).